The following is an entry in ClinVar:

NM_199355.4(ADAMTS18):c.34C>T (p.Pro12Ser)

Gene: ADAMTS18 (ADAM metallopeptidase with thrombospondin type 1 motif 18; minus strand). Cytogenetic location: 16q23.1.
Variant type: single nucleotide variant.
Coding change: c.34C>T on transcript NM_199355.4 (MANE Select); coding-DNA position 34, C replaced by T.
Protein change: p.Pro12Ser; replaces proline 12 with serine.
Molecular consequence: missense variant. On other transcripts: 5 prime UTR variant (1).
Genome position (GRCh38, 1-based): chr16:77,434,662, G>A on the plus strand (C>T on the coding strand, the complement: ADAMTS18 is on the minus strand). VCF-style: chr16-77434662-G-A. GRCh37 (hg19) VCF-style: chr16-77468559-G-A.
Other names: c.-487C>T (NM_001326358.2); short protein forms P12S.
Identifiers: ClinVar variation 1408456 (VCV001408456.6), dbSNP rs767465346, ClinGen allele CA396851959.

ClinVar aggregate classification (germline): Uncertain significance (1 of 4 stars; one submission).

gnomAD v4.1: 1 of 1,479,670 alleles (0.000068%); highest among the groups gnomAD compares: Non-Finnish European, 0.000089%; no homozygotes.

Submission:

Labcorp Genetics (formerly Invitae), Labcorp
Classification: Uncertain significance. Last evaluated: 2022-08-10. Review status: criteria provided, single submitter. Criteria: Invitae Variant Classification Sherloc (09022015). Collection method: clinical testing. Allele origin: germline.
Comment: In summary, the available evidence is currently insufficient to determine the role of this variant in disease. Therefore, it has been classified as a Variant of Uncertain Significance. Algorithms developed to predict the effect of missense changes on protein structure and function are either unavailable or do not agree on the potential impact of this missense change (SIFT: "Not Available"; PolyPhen-2: "Benign"; Align-GVGD: "Not Available"). ClinVar contains an entry for this variant (Variation ID: 1408456). This variant has not been reported in the literature in individuals affected with ADAMTS18-related conditions. This variant is not present in population databases (gnomAD no frequency). This sequence change replaces proline with serine at codon 12 of the ADAMTS18 protein (p.Pro12Ser). The proline residue is moderately conserved and there is a moderate physicochemical difference between proline and serine.